The following is an entry in ClinVar:

NM_000170.3(GLDC):c.2312G>C (p.Gly771Ala)

Gene: GLDC (glycine decarboxylase; minus strand). Cytogenetic location: 9p24.1.
Variant type: single nucleotide variant.
Coding change: c.2312G>C on transcript NM_000170.3 (MANE Select); coding-DNA position 2312, G replaced by C.
Protein change: p.Gly771Ala; replaces glycine 771 with alanine.
Molecular consequence: missense variant.
Genome position (GRCh38, 1-based): chr9:6,554,672, C>G on the plus strand (G>C on the coding strand, the complement: GLDC is on the minus strand). VCF-style: chr9-6554672-C-G. GRCh37 (hg19) VCF-style: chr9-6554672-C-G.
Other names: short protein forms G771A.
Identifiers: ClinVar variation 1484679 (VCV001484679.4), dbSNP rs760077981, ClinGen allele CA372879985.
Genomic context (GRCh38, chr9:6,554,672, plus strand): 5'-GGCCACTCCTTCATTCTGTCTCCAAAGCCATCCTGAAACCAGCAGCCCAGAACTTACACT[C>G]CGATGGGCCCCATGCCAGGACCACCTCCTCCGTGGGGAATGCAGAAGGTCTTGTGAAGAT-3'
Protein context (NP_000161.2, residues 761-781): GGGGPGMGPI[Gly771Ala]VKKHLAPFLP

ClinVar aggregate classification (germline): Conflicting classifications of pathogenicity. Review status: criteria provided, conflicting classifications (1 of 4 stars). 2 submissions from 2 submitters: Likely pathogenic (1); Uncertain significance (1). Last evaluated 2025-09-23.

Conditions:
Glycine encephalopathy. Also called: Non-ketotic hyperglycinemia; Nonketotic hyperglycinemia. Identifiers: Orphanet 407, MedGen C0751748, MONDO:0011612, HP:0008288.

Submissions (2):

Women's Health and Genetics/Laboratory Corporation of America, LabCorp
Classification: Uncertain significance. Last evaluated: 2025-09-23. Review status: criteria provided, single submitter. Criteria: LabCorp Variant Classification Summary - May 2015. Collection method: clinical testing. Allele origin: germline.
Comment: Variant summary: GLDC c.2312G>C (p.Gly771Ala) results in a non-conservative amino acid change in the encoded protein sequence. Algorithms developed to predict the effect of missense changes on protein structure and function all suggest that this variant is likely to be disruptive. The frequency data for this variant in gnomAD is considered unreliable, as metrics indicate poor data quality at this position. To our knowledge, no occurrence of c.2312G>C in individuals affected with GLDC-related conditions and no experimental evidence demonstrating its impact on protein function have been reported. A different variant affecting the same codon has been classified as pathogenic by our lab (c.2311G>A, p.Gly771Ala), supporting the critical relevance of codon 771 to GLDC protein function. ClinVar contains an entry for this variant (Variation ID: 1484679). Based on the evidence outlined above, the variant was classified as uncertain significance.

Labcorp Genetics (formerly Invitae), Labcorp
Classification: Likely pathogenic for Glycine encephalopathy. Last evaluated: 2021-10-25. Review status: criteria provided, single submitter. Criteria: Invitae Variant Classification Sherloc (09022015). Collection method: clinical testing. Allele origin: germline.
Comment: This sequence change replaces glycine, which is neutral and non-polar, with alanine, which is neutral and non-polar, at codon 771 of the GLDC protein (p.Gly771Ala). This variant is not present in population databases (gnomAD no frequency). This variant has not been reported in the literature in individuals affected with GLDC-related conditions. Advanced modeling of protein sequence and biophysical properties (such as structural, functional, and spatial information, amino acid conservation, physicochemical variation, residue mobility, and thermodynamic stability) performed at Invitae indicates that this missense variant is expected to disrupt GLDC protein function. This variant disrupts the p.Gly771 amino acid residue in GLDC. Other variant(s) that disrupt this residue have been determined to be pathogenic (PMID: 16450403, 17361008, 27362913). This suggests that this residue is clinically significant, and that variants that disrupt this residue are likely to be disease-causing. In summary, the currently available evidence indicates that the variant is pathogenic, but additional data are needed to prove that conclusively. Therefore, this variant has been classified as Likely Pathogenic.

Literature cited by the submitters: PubMed 16450403 (cited by Labcorp Genetics (formerly Invitae), Labcorp); PubMed 17361008 (cited by Labcorp Genetics (formerly Invitae), Labcorp); PubMed 27362913 (cited by Labcorp Genetics (formerly Invitae), Labcorp).